The following is an entry in ClinVar:

NM_007209.4(RPL35):c.251G>A (p.Arg84Gln)

Gene: RPL35 (ribosomal protein L35; minus strand). Cytogenetic location: 9q33.3.
Variant type: single nucleotide variant.
Coding change: c.251G>A on transcript NM_007209.4 (MANE Select); coding-DNA position 251, G replaced by A.
Protein change: p.Arg84Gln; replaces arginine 84 with glutamine.
Molecular consequence: missense variant.
Genome position (GRCh38, 1-based): chr9:124,858,039, C>T on the plus strand (G>A on the coding strand, the complement: RPL35 is on the minus strand). VCF-style: chr9-124858039-C-T. GRCh37 (hg19) VCF-style: chr9-127620318-C-T.
Other names: short protein forms R84Q.
Identifiers: ClinVar variation 3346035 (VCV003346035.1).

ClinVar aggregate classification (germline): Uncertain significance (0 of 4 stars; one submission).

Conditions:
RPL35-related disorder. Also called: RPL35-related condition.

Submission:

PreventionGenetics, part of Exact Sciences
Classification: Uncertain significance for RPL35-related condition. Last evaluated: 2024-06-07. Review status: no assertion criteria provided. Collection method: clinical testing. Allele origin: germline.
Comment: The RPL35 c.251G>A variant is predicted to result in the amino acid substitution p.Arg84Gln. To our knowledge, this variant has not been reported in the literature. This variant is reported in 0.0054% of alleles in individuals of East Asian descent in gnomAD. At this time, the clinical significance of this variant is uncertain due to the absence of conclusive functional and genetic evidence.